The following is an entry in ClinVar:

ClinVar aggregate classification (germline): Likely benign. Review status: criteria provided, multiple submitters, no conflicts (2 of 4 stars). 2 submissions from 2 submitters: Likely benign (2). Last evaluated 2026-07-01.

Conditions:
Inborn genetic diseases. Identifiers: MedGen C0950123, MeSH D030342.

Allele frequency attached by ClinVar (database versions not stated): 1000 Genomes Project 0.00040; 1000 Genomes Project 30x 0.00078; ExAC 0.00375.
gnomAD v4.1: 1,202 of 764,272 alleles (0.16%); highest among the groups gnomAD compares: Non-Finnish European, 0.18%; 2 homozygotes.

Submissions (2):

CeGaT Center for Human Genetics Tuebingen
Classification: Likely benign. Last evaluated: 2026-07-01. Review status: criteria provided, single submitter. Criteria: CeGaT Center For Human Genetics Tuebingen Variant Classification Criteria Version 2. Collection method: clinical testing. Allele origin: germline. Affected: yes. Observed: 8 variant alleles.
Comment: MSTO1: PP2, BS1

Ambry Genetics
Classification: Likely benign for Inborn genetic diseases. Last evaluated: 2023-02-16. Review status: criteria provided, single submitter. Criteria: Ambry Variant Classification Scheme 2023. Collection method: clinical testing. Allele origin: germline.

NM_018116.4(MSTO1):c.14C>T (p.Ala5Val)

Gene: MSTO1 (misato mitochondrial distribution and morphology regulator 1; plus strand). Cytogenetic location: 1q22.
Variant type: single nucleotide variant.
Coding change: c.14C>T on transcript NM_018116.4 (MANE Select); coding-DNA position 14, C replaced by T.
Protein change: p.Ala5Val; replaces alanine 5 with valine.
Molecular consequence: missense variant. On other transcripts: 5 prime UTR variant (14), non-coding transcript variant (6).
Genome position (GRCh38, 1-based): chr1:155,610,262, C>T. VCF-style: chr1-155610262-C-T. GRCh37 (hg19) VCF-style: chr1-155580053-C-T.
Other names: c.14C>T, p.Ala5Val (NM_001256532.1, NM_001256533.1, NM_001350772.1 and 3 more transcripts); c.-274C>T (NM_001350776.1); c.-543C>T (NM_001350777.1); c.-607C>T (NM_001350778.1); c.-548C>T (NM_001350779.1); c.-659C>T (NM_001350780.1); c.-1060C>T (NM_001350781.1); c.-585C>T (NM_001350782.1, NM_001350783.1, NM_001350786.1 and 1 more transcripts); and 4 more; short protein forms A5V.
Identifiers: ClinVar variation 2456933 (VCV002456933.30), dbSNP rs141537147, ClinGen allele CA1147805.